The following is an entry in ClinVar:

NM_001609.4(ACADSB):c.725C>T (p.Pro242Leu)

Gene: ACADSB (acyl-CoA dehydrogenase short/branched chain; plus strand). Cytogenetic location: 10q26.13.
Variant type: single nucleotide variant.
Coding change: c.725C>T on transcript NM_001609.4 (MANE Select); coding-DNA position 725, C replaced by T.
Protein change: p.Pro242Leu; replaces proline 242 with leucine.
Molecular consequence: missense variant.
Genome position (GRCh38, 1-based): chr10:123,043,089, C>T. VCF-style: chr10-123043089-C-T. GRCh37 (hg19) VCF-style: chr10-124802605-C-T.
Other names: c.419C>T, p.Pro140Leu (NM_001330174.3); short protein forms P140L, P242L.
Identifiers: ClinVar variation 1367362 (VCV001367362.4), dbSNP rs143736049, ClinGen allele CA5730796.

ClinVar aggregate classification (germline): Uncertain significance (1 of 4 stars; one submission).

Conditions:
Deficiency of 2-methylbutyryl-CoA dehydrogenase (ACADSB). Also called: 2-methylbutyryl-CoA dehydrogenase deficiency; SBCAD deficiency; 2-methylbutyric aciduria; Short branched-chain acyl-CoA dehydrogenase deficiency; 2-methylbutyrylglycinuria. Identifiers: Orphanet 79157, MedGen C1864912, MONDO:0012392, OMIM 610006, HP:0020147.

Allele frequency attached by ClinVar (database versions not stated): gnomAD exomes 0.00006; TOPMed 0.00006; gnomAD 0.00010 and 0.00011; ExAC 0.00011; ESP Exome Variant Server 0.00031; 1000 Genomes Project 0.00040; 1000 Genomes Project 30x 0.00047.
gnomAD v4.1: 96 of 1,613,726 alleles (0.0059%); highest among the groups gnomAD compares: East Asian, 0.04%; no homozygotes.

Submission:

Labcorp Genetics (formerly Invitae), Labcorp
Classification: Uncertain significance for Deficiency of 2-methylbutyryl-CoA dehydrogenase. Last evaluated: 2025-04-14. Review status: criteria provided, single submitter. Criteria: Invitae Variant Classification Sherloc (09022015). Collection method: clinical testing. Allele origin: germline.
Comment: This sequence change replaces proline, which is neutral and non-polar, with leucine, which is neutral and non-polar, at codon 242 of the ACADSB protein (p.Pro242Leu). This variant is present in population databases (rs143736049, gnomAD 0.04%). This variant has not been reported in the literature in individuals affected with ACADSB-related conditions. ClinVar contains an entry for this variant (Variation ID: 1367362). Invitae Evidence Modeling of protein sequence and biophysical properties (such as structural, functional, and spatial information, amino acid conservation, physicochemical variation, residue mobility, and thermodynamic stability) has been performed for this missense variant. However, the output from this modeling did not meet the statistical confidence thresholds required to predict the impact of this variant on ACADSB protein function. In summary, the available evidence is currently insufficient to determine the role of this variant in disease. Therefore, it has been classified as a Variant of Uncertain Significance.